The following is an entry in ClinVar:

ClinVar aggregate classification (germline): Uncertain significance. Review status: criteria provided, single submitter (1 of 4 stars). 2 submissions from 2 submitters: Uncertain significance (1). 1 of the submissions does not count toward it. Last evaluated 2021-07-21.

Conditions:
Autosomal recessive limb-girdle muscular dystrophy type R18 (LGMDR18). Also called: Limb-girdle muscular dystrophy, type 2S; Autosomal recessive limb-girdle muscular dystrophy type 2S; MUSCULAR DYSTROPHY, LIMB-GIRDLE, AUTOSOMAL RECESSIVE 18. Identifiers: Orphanet 369840, MedGen C4517996, MONDO:0014144, OMIM 615356.

Allele frequency attached by ClinVar (database versions not stated): TOPMed 0.00001.
gnomAD v4.1: 4 of 1,612,570 alleles (0.00025%); highest among the groups gnomAD compares: Non-Finnish European, 0.00025%; no homozygotes.

Submissions (2):

Labcorp Genetics (formerly Invitae), Labcorp
Classification: Uncertain significance for Autosomal recessive limb-girdle muscular dystrophy type R18. Last evaluated: 2021-07-21. Review status: criteria provided, single submitter. Criteria: Invitae Variant Classification Sherloc (09022015). Collection method: clinical testing. Allele origin: germline.
Comment: Algorithms developed to predict the effect of sequence changes on RNA splicing suggest that this variant may disrupt the consensus splice site. In summary, the available evidence is currently insufficient to determine the role of this variant in disease. Therefore, it has been classified as a Variant of Uncertain Significance. ClinVar contains an entry for this variant (Variation ID: 801005). This sequence change falls in intron 11 of the TRAPPC11 gene. It does not directly change the encoded amino acid sequence of the TRAPPC11 protein. This variant is not present in population databases (ExAC no frequency). This variant has not been reported in the literature in individuals affected with TRAPPC11-related conditions.

Biochemical Molecular Genetic Laboratory, King Abdulaziz Medical City
Classification: Uncertain significance for Autosomal recessive limb-girdle muscular dystrophy type R18. Last evaluated: 2019-09-26. Review status: no assertion criteria provided. Collection method: clinical testing. Allele origin: germline. Affected: yes. Not counted in ClinVar's aggregate classification.

NM_021942.6(TRAPPC11):c.1208-5C>G

Gene: TRAPPC11 (trafficking protein particle complex subunit 11; plus strand). Cytogenetic location: 4q35.1.
Variant type: single nucleotide variant.
Coding change: c.1208-5C>G on transcript NM_021942.6 (MANE Select); 5 bases into the intron before coding-DNA position 1208, C replaced by G.
Molecular consequence: intron variant.
Genome position (GRCh38, 1-based): chr4:183,683,970, C>G. VCF-style: chr4-183683970-C-G. GRCh37 (hg19) VCF-style: chr4-184605123-C-G.
Other names: c.1208-5C>G (NM_199053.3).
Identifiers: ClinVar variation 801005 (VCV000801005.9), dbSNP rs185570336, ClinGen allele CA358865691.